The following is an entry in ClinVar:

NM_000051.4(ATM):c.2968A>G (p.Ile990Val)

Gene: ATM (ATM serine/threonine kinase; plus strand). Cytogenetic location: 11q22.3.
Variant type: single nucleotide variant.
Coding change: c.2968A>G on transcript NM_000051.4 (MANE Select); coding-DNA position 2968, A replaced by G.
Protein change: p.Ile990Val; replaces isoleucine 990 with valine.
Molecular consequence: missense variant.
Genome position (GRCh38, 1-based): chr11:108,271,297, A>G. VCF-style: chr11-108271297-A-G. GRCh37 (hg19) VCF-style: chr11-108142024-A-G.
Other names: c.2968A>G, p.Ile990Val (NM_001351834.2); short protein forms I990V.
Identifiers: ClinVar variation 822380 (VCV000822380.14), dbSNP rs899241025, ClinGen allele CA228409733.

ClinVar aggregate classification (germline): Conflicting classifications of pathogenicity. Review status: criteria provided, conflicting classifications (1 of 4 stars). 3 submissions from 3 submitters: Uncertain significance (2); Likely benign (1). Last evaluated 2025-12-01.

Conditions:
Hereditary cancer-predisposing syndrome. Also called: Hereditary Cancer Syndrome; Neoplastic Syndromes, Hereditary; Hereditary neoplastic syndrome; Tumor predisposition. Identifiers: Orphanet 140162, MedGen C0027672, MeSH D009386, MONDO:0015356.
Ataxia-telangiectasia syndrome (AT). Also called: Cerebello-oculocutaneous telangiectasia; Immunodeficiency with ataxia telangiectasia; Ataxia-telangiectasia, complementation group E; Ataxia-telangiectasia, complementation group D; AT, COMPLEMENTATION GROUP C; ATAXIA-TELANGIECTASIA, COMPLEMENTATION GROUP A. Identifiers: Orphanet 100, MedGen C0004135, MONDO:0008840, OMIM 208900.

Allele frequency attached by ClinVar (database versions not stated): gnomAD exomes below 0.00001; gnomAD 0.00001; TOPMed 0.00002.
gnomAD v4.1: 1 of 1,612,868 alleles (0.000062%); highest among the groups gnomAD compares: African/African-American, 0.0013%; no homozygotes.

Submissions (3):

Labcorp Genetics (formerly Invitae), Labcorp
Classification: Uncertain significance for Ataxia-telangiectasia syndrome. Last evaluated: 2025-12-01. Review status: criteria provided, single submitter. Criteria: Invitae Variant Classification Sherloc (09022015). Collection method: clinical testing. Allele origin: germline.
Comment: This sequence change replaces isoleucine, which is neutral and non-polar, with valine, which is neutral and non-polar, at codon 990 of the ATM protein (p.Ile990Val). This variant is present in population databases (no rsID available, gnomAD 0.007%). This variant has not been reported in the literature in individuals affected with ATM-related conditions. ClinVar contains an entry for this variant (Variation ID: 822380). Invitae Evidence Modeling of protein sequence and biophysical properties (such as structural, functional, and spatial information, amino acid conservation, physicochemical variation, residue mobility, and thermodynamic stability) indicates that this missense variant is not expected to disrupt ATM protein function with a negative predictive value of 95%. In summary, the available evidence is currently insufficient to determine the role of this variant in disease. Therefore, it has been classified as a Variant of Uncertain Significance.

Institute for Biomarker Research, Medical Diagnostic Laboratories, L.L.C.
Classification: Uncertain significance for Hereditary cancer-predisposing syndrome. Last evaluated: 2025-01-20. Review status: criteria provided, single submitter. Criteria: ACMG Guidelines, 2015. Collection method: clinical testing. Allele origin: germline.
Comment: The missense variant NM_000051.4(ATM):c.2968A>G (p.Ile990Val) has not been reported previously as a pathogenic variant, to our knowledge. The p.Ile990Val variant is observed in 1/16,250 (0.0062%) alleles from individuals of gnomAD African background in gnomAD. The p.Ile990Val variant is novel (not in any individuals) in 1kG. There is a small physicochemical difference between isoleucine and valine, which is not likely to impact secondary protein structure as these residues share similar properties. The gene ATM has a low rate of benign missense variation as indicated by a high missense variants Z-Score of 2.52. The gene ATM contains 171 pathogenic missense variants, indicating that missense variants are a common mechanism of disease in this gene. For these reasons, this variant has been classified as Uncertain Significance

Ambry Genetics
Classification: Likely benign for Hereditary cancer-predisposing syndrome. Last evaluated: 2023-11-21. Review status: criteria provided, single submitter. Criteria: Ambry Variant Classification Scheme 2023. Collection method: clinical testing. Allele origin: germline.

Literature cited by the submitters: PubMed 30287823 (cited by Ambry Genetics).